The following is an entry in ClinVar:

ClinVar aggregate classification (germline): Pathogenic. Review status: reviewed by expert panel (3 of 4 stars). 2 submissions from 2 submitters: Pathogenic (1). 1 of the submissions does not count toward it. Last evaluated 2016-09-08.

Conditions:
Breast-ovarian cancer, familial, susceptibility to, 1 (BROVCA1). Also called: BRCA1 Hereditary Breast and Ovarian Cancer; OVARIAN CANCER, SUSCEPTIBILITY TO. Identifiers: Orphanet 145, MedGen C2676676, MONDO:0011450, OMIM 604370. Disease mechanism: loss of function.

Submissions (2):

Evidence-based Network for the Interpretation of Germline Mutant Alleles (ENIGMA)
Classification: Pathogenic for Breast-ovarian cancer, familial, susceptibility to, 1. Last evaluated: 2016-09-08. Review status: reviewed by expert panel. Criteria: ENIGMA BRCA1/2 Classification Criteria (2015). Collection method: curation. Allele origin: germline.
Comment: Variant allele predicted to encode a truncated non-functional protein.

Breast Cancer Information Core (BIC) (BRCA1)
Classification: Uncertain significance for Breast-ovarian cancer, familial 1. Last evaluated: 2010-08-13. Review status: no assertion criteria provided. Collection method: clinical testing. Allele origin: germline. Affected: yes. Observed: 1 variant allele. Not counted in ClinVar's aggregate classification.

NM_007294.4(BRCA1):c.3714_3747del (p.Gln1240fs)

Genes: BRCA1 (BRCA1 DNA repair associated; minus strand), LOC126862571 (BRD4-independent group 4 enhancer GRCh37_chr17:41243136-41244335; plus strand). Cytogenetic location: 17q21.31.
Variant type: Deletion.
Coding change: c.3714_3747del on transcript NM_007294.4 (MANE Select); coding-DNA positions 3714 to 3747, 34 bases deleted.
Protein change: p.Gln1240fs; shifts the reading frame from glutamine 1240.
Molecular consequence: frameshift variant. On other transcripts: intron variant (135).
Genome position (GRCh38, 1-based): chr17:43,091,784-43,091,817, 34 bases deleted; deleting any 34 consecutive bases within chr17:43,091,784-43,091,821 gives the same sequence; the c. name uses the placement nearest the transcript's 3' end. GRCh37 (hg19): chr17:41,243,805-41,243,838.
Other names: 3829insTdel35; c.3710_3744delinsT (U14680.1); c.3714_3747delTTCTCAGTCTACTAGGCATAGCACCGTTGCTACC (NM_007294.3); c.3501_3534del, p.Gln1169fs (NM_001407898.1, NM_001407899.1, NM_001407915.1 and 9 more transcripts); c.3504_3537del, p.Gln1170fs (NM_001407900.1, NM_001407902.1, NM_001407904.1 and 13 more transcripts); c.3591_3624del, p.Gln1199fs (NM_001407919.1, NM_001407937.1, NM_001407938.1 and 19 more transcripts); c.3450_3483del, p.Gln1152fs (NM_001407920.1, NM_001407921.1, NM_001407922.1 and 9 more transcripts); c.3447_3480del, p.Gln1151fs (NM_001407930.1, NM_001407931.1, NM_001407932.1 and 2 more transcripts); and 45 more; short protein forms Q1193fs, Q1240fs, Q1129fs, Q1173fs, Q1213fs, Q1112fs, Q1128fs, Q1151fs.
Identifiers: ClinVar variation 125646 (VCV000125646.4), dbSNP rs886038023, ClinGen allele CA10586619.
Genomic context (GRCh38, chr17:43,091,783, plus strand): 5'-AGTCATTTAAGCTATTCTTCAATGATAATAAATTCTCCTCTGTGTTCTTAGACAGACACT[CGGTAGCAACGGTGCTATGCCTAGTAGACTGAGAA>C]GGTATATTGTTTACTTTACCAAATAACAAGTGTTGGAAGCAGGGAAGCTCTTCATCCTCA-3'